The following is an entry in ClinVar:

ClinVar aggregate classification (germline): Uncertain significance (1 of 4 stars; one submission).

Conditions:
POLD1-related polyposis and colorectal cancer syndrome (CRCS10). Also called: Colorectal cancer 10; COLORECTAL CANCER, SUSCEPTIBILITY TO, ON CHROMOSOME 19q; Colorectal cancer, susceptibility to, 10. Identifiers: Orphanet 220460, MedGen C2675481, MONDO:0012953, OMIM 612591.

Submission:

Labcorp Genetics (formerly Invitae), Labcorp
Classification: Uncertain significance for POLD1-related polyposis and colorectal cancer syndrome. Last evaluated: 2022-06-23. Review status: criteria provided, single submitter. Criteria: Invitae Variant Classification Sherloc (09022015). Collection method: clinical testing. Allele origin: germline.
Comment: In summary, the available evidence is currently insufficient to determine the role of this variant in disease. Therefore, it has been classified as a Variant of Uncertain Significance. Algorithms developed to predict the effect of missense changes on protein structure and function are either unavailable or do not agree on the potential impact of this missense change (SIFT: "Deleterious"; PolyPhen-2: "Probably Damaging"; Align-GVGD: "Class C0"). ClinVar contains an entry for this variant (Variation ID: 1052266). This variant has not been reported in the literature in individuals affected with POLD1-related conditions. This variant is not present in population databases (gnomAD no frequency). This sequence change replaces arginine, which is basic and polar, with proline, which is neutral and non-polar, at codon 762 of the POLD1 protein (p.Arg762Pro).

NM_002691.4(POLD1):c.2285G>C (p.Arg762Pro)

Gene: POLD1 (DNA polymerase delta 1, catalytic subunit; plus strand). Cytogenetic location: 19q13.33.
Variant type: single nucleotide variant.
Coding change: c.2285G>C on transcript NM_002691.4 (MANE Select); coding-DNA position 2285, G replaced by C.
Protein change: p.Arg762Pro; replaces arginine 762 with proline.
Molecular consequence: missense variant. On other transcripts: non-coding transcript variant (1).
Genome position (GRCh38, 1-based): chr19:50,413,776, G>C. VCF-style: chr19-50413776-G-C. GRCh37 (hg19) VCF-style: chr19-50917033-G-C.
Other names: c.2285G>C, p.Arg762Pro (NM_001256849.1); c.2363G>C, p.Arg788Pro (NM_001308632.1); short protein forms R762P, R788P.
Identifiers: ClinVar variation 1052266 (VCV001052266.9), dbSNP rs760638243, ClinGen allele CA406984056.
Genomic context (GRCh38, chr19:50,413,776, plus strand): 5'-CATACACACATCCCCACCGCCCGCAGGTGGTGTATGGTGACACTGACTCCGTCATGTGCC[G>C]ATTCGGCGTGTCCTCGGTGGCTGAGGCGATGGCCCTGGGGCGGGAGGCCGCGGACTGGGT-3'
Protein context (NP_002682.2, residues 752-772): VYGDTDSVMC[Arg762Pro]FGVSSVAEAM